The following is an entry in ClinVar:

NM_001165963.4(SCN1A):c.1096_1115del (p.Asp366fs)

Gene: SCN1A (sodium voltage-gated channel alpha subunit 1; minus strand). Cytogenetic location: 2q24.3.
Variant type: Deletion.
Coding change: c.1096_1115del on transcript NM_001165963.4 (MANE Select); coding-DNA positions 1096 to 1115, 20 bases deleted (GATACCTTCAGTTGGGCTTT).
Protein change: p.Asp366fs; shifts the reading frame from aspartic acid 366.
Molecular consequence: frameshift variant. On other transcripts: 5 prime UTR variant (1), non-coding transcript variant (1).
Genome position (GRCh38, 1-based): chr2:166,047,682-166,047,701, AAAGCCCAACTGAAGGTATC deleted on the plus strand (GATACCTTCAGTTGGGCTTT on the coding strand, the reverse complement: SCN1A is on the minus strand); deleting any 20 consecutive bases within chr2:166,047,682-166,047,706 gives the same sequence; the c. name uses the placement nearest the transcript's 3' end. VCF-style (leftmost placement, unchanged base first): chr2-166047681-AAAAGCCCAACTGAAGGTATC-A. GRCh37 (hg19) VCF-style: chr2-166904191-AAAAGCCCAACTGAAGGTATC-A.
Other names: c.1096_1115del, p.Asp366fs (NM_001165964.3, NM_001202435.3, NM_001353948.2 and 10 more transcripts); c.-1330_-1311del (NM_001353961.2); c.1096_1115delGATACCTTCAGTTGGGCTTT (NM_001165963.1); short protein forms D366fs.
Identifiers: ClinVar variation 189955 (VCV000189955.1), dbSNP rs794726792, ClinGen allele CA303398.

ClinVar aggregate classification (germline): Pathogenic (1 of 4 stars; one submission).

Conditions:
Severe myoclonic epilepsy in infancy (DRVT). Also called: Epileptic encephalopathy, early infantile, 6 (Dravet syndrome); SEVERE MYOCLONIC EPILEPSY OF INFANCY; DEVELOPMENTAL AND EPILEPTIC ENCEPHALOPATHY 6A; Severe Myoclonic Epilepsy in Infancy (SMEI); Dravet syndrome. Identifiers: Orphanet 33069, MedGen C0751122, MONDO:0100135, OMIM 607208.

Submission:

Center for Bioinformatics, Peking University
Classification: Pathogenic for Dravet syndrome. Last evaluated: 2014-12-20. Review status: criteria provided, single submitter. Criteria: Xu et al. (Hum Mutat. 2015). Collection method: research. Allele origin: de novo. Affected: yes. Observed: 1 variant allele. Study: University Clinical Cooperation “985 Project” PKU-2014-1-1.
Comment: Dravet syndrome (DS) probands were recruited from the outpatient and inpatient child neurology units of Peking University First Hospital from 2005 till present. The study was approved by the Ethics Committee of Peking University First Hospital and the Institutional Review Board at Peking University. Participants or their parents provided written informed consent before enrollment. We collected a total of 267 mutations from 255 families with probands diagnosed with DS in China. All probands fulfilled the clinical diagnostic criteria.